The following is an entry in ClinVar:

NM_058179.4(PSAT1):c.571-1G>A

Gene: PSAT1 (phosphoserine aminotransferase 1; plus strand). Cytogenetic location: 9q21.2.
Variant type: single nucleotide variant.
Coding change: c.571-1G>A on transcript NM_058179.4 (MANE Select); the canonical splice acceptor site of the intron before coding-DNA position 571, G replaced by A.
Molecular consequence: splice acceptor variant.
Genome position (GRCh38, 1-based): chr9:78,308,413, G>A. VCF-style: chr9-78308413-G-A. GRCh37 (hg19) VCF-style: chr9-80923329-G-A.
Other names: c.571-1G>A (NM_021154.5).
Identifiers: ClinVar variation 1501099 (VCV001501099.8), dbSNP rs1828216198, ClinGen allele CA373873976.

ClinVar aggregate classification (germline): Likely pathogenic (1 of 4 stars; one submission).

Conditions:
Neu-Laxova syndrome 2. Identifiers: Orphanet 2671, Orphanet 583602, MedGen C4015019, MONDO:0014466, OMIM 616038.

Submission:

Labcorp Genetics (formerly Invitae), Labcorp
Classification: Likely pathogenic for Neu-Laxova syndrome 2. Last evaluated: 2020-12-23. Review status: criteria provided, single submitter. Criteria: Invitae Variant Classification Sherloc (09022015). Collection method: clinical testing. Allele origin: germline.
Comment: This sequence change affects an acceptor splice site in intron 5 of the PSAT1 gene. It is expected to disrupt RNA splicing. Variants that disrupt the donor or acceptor splice site typically lead to a loss of protein function (PMID: 16199547), and loss-of-function variants in PSAT1 are known to be pathogenic (PMID: 17436247, 25152457). This variant is not present in population databases (ExAC no frequency). This variant has not been reported in the literature in individuals with PSAT1-related conditions. Algorithms developed to predict the effect of sequence changes on RNA splicing suggest that this variant may disrupt the consensus splice site, but this prediction has not been confirmed by published transcriptional studies. In summary, the currently available evidence indicates that the variant is pathogenic, but additional data are needed to prove that conclusively. Therefore, this variant has been classified as Likely Pathogenic.

Literature cited by the submitters: PubMed 16199547; PubMed 17436247; PubMed 25152457.